The following is an entry in ClinVar:

NM_015335.5(MED13L):c.5288C>A (p.Pro1763His)

Gene: MED13L (mediator complex subunit 13L; minus strand). Cytogenetic location: 12q24.21.
Variant type: single nucleotide variant.
Coding change: c.5288C>A on transcript NM_015335.5 (MANE Select); coding-DNA position 5288, C replaced by A.
Protein change: p.Pro1763His; replaces proline 1763 with histidine.
Molecular consequence: missense variant.
Genome position (GRCh38, 1-based): chr12:115,980,826, G>T on the plus strand (C>A on the coding strand, the complement: MED13L is on the minus strand). VCF-style: chr12-115980826-G-T. GRCh37 (hg19) VCF-style: chr12-116418631-G-T.
Other names: short protein forms P1763H.
Identifiers: ClinVar variation 1313048 (VCV001313048.2), dbSNP rs747112698, ClinGen allele CA386880246.

ClinVar aggregate classification (germline): Uncertain significance (1 of 4 stars; one submission).

Submission:

GeneDx
Classification: Uncertain significance. Last evaluated: 2020-07-09. Review status: criteria provided, single submitter. Criteria: GeneDx Variant Classification Process June 2021. Collection method: clinical testing. Allele origin: germline. Affected: yes.
Comment: Not observed in large population cohorts (Lek et al., 2016); In silico analysis supports that this missense variant has a deleterious effect on protein structure/function; Has not been previously published as pathogenic or benign to our knowledge